The following is an entry in ClinVar:

ClinVar aggregate classification (germline): Uncertain significance (1 of 4 stars; one submission).

Conditions:
Familial intrahepatic cholestasis. Identifiers: Orphanet 284385, MedGen CN296401, MONDO:0017290.

gnomAD v4.1: 1 of 1,613,850 alleles (0.000062%); highest among the groups gnomAD compares: Non-Finnish European, 0.000085%; no homozygotes.

Submission:

Genomenon, Inc
Classification: Uncertain significance for Familial intrahepatic cholestasis. Last evaluated: 2026-04-14. Review status: criteria provided, single submitter. Criteria: Genomenon Sequence Variant Interpretation Standards - Updated. Collection method: curation. Allele origin: germline. Affected: yes.
Comment: ABCB4 p.Gly959Val (c.2876G>T) is a missense variant that changes the amino acid at residue 959 from Glycine to Valine. This variant has been observed in at least one proband with an ABCB4-related disorder (PMID:37701337). It is absent or not present at a significant frequency in gnomAD. In silico models predict that this variant is possibly or probably damaging. In conclusion, we classify ABCB4 p.Gly959Val (c.2876G>T) as a variant of uncertain significance.

Literature cited by the submitters: PubMed 37701337.

NM_000443.4(ABCB4):c.2876G>T (p.Gly959Val)

Gene: ABCB4 (ATP binding cassette subfamily B member 4; minus strand). Cytogenetic location: 7q21.12.
Variant type: single nucleotide variant.
Coding change: c.2876G>T on transcript NM_000443.4 (MANE Select); coding-DNA position 2876, G replaced by T.
Protein change: p.Gly959Val; replaces glycine 959 with valine.
Molecular consequence: missense variant. On other transcripts: intron variant (1).
Genome position (GRCh38, 1-based): chr7:87,411,941, C>A on the plus strand (G>T on the coding strand, the complement: ABCB4 is on the minus strand). VCF-style: chr7-87411941-C-A. GRCh37 (hg19) VCF-style: chr7-87041257-C-A.
Other names: c.2876G>T, p.Gly959Val (NM_018849.3); c.2783+1676G>T (NM_018850.3); short protein forms G959V.
Identifiers: ClinVar variation 4846485 (VCV004846485.1).